The following is an entry in ClinVar:

NM_000419.5(ITGA2B):c.1316A>G (p.Asp439Gly)

Gene: ITGA2B (integrin subunit alpha 2b; minus strand). Cytogenetic location: 17q21.31.
Variant type: single nucleotide variant.
Coding change: c.1316A>G on transcript NM_000419.5 (MANE Select); coding-DNA position 1316, A replaced by G.
Protein change: p.Asp439Gly; replaces aspartic acid 439 with glycine.
Molecular consequence: missense variant.
Genome position (GRCh38, 1-based): chr17:44,380,956, T>C on the plus strand (A>G on the coding strand, the complement: ITGA2B is on the minus strand). VCF-style: chr17-44380956-T-C. GRCh37 (hg19) VCF-style: chr17-42458324-T-C.
Other names: short protein forms D439G.
Identifiers: ClinVar variation 3719604 (VCV003719604.2).

ClinVar aggregate classification (germline): Uncertain significance (1 of 4 stars; one submission).

Conditions:
Glanzmann thrombasthenia. Also called: BLEEDING DISORDER, PLATELET-TYPE, 2; THROMBASTHENIA OF GLANZMANN AND NAEGELI; PLATELET GLYCOPROTEIN IIb-IIIa DEFICIENCY; Thrombasthenia; Glanzmann's thrombasthenia. Identifiers: Orphanet 849, MedGen C0040015, MONDO:0100326.

gnomAD v4.1: 3 of 1,614,152 alleles (0.00019%); highest among the groups gnomAD compares: Admixed American, 0.005%; no homozygotes.

Submission:

Labcorp Genetics (formerly Invitae), Labcorp
Classification: Uncertain significance for Glanzmann thrombasthenia. Last evaluated: 2024-02-28. Review status: criteria provided, single submitter. Criteria: Invitae Variant Classification Sherloc (09022015). Collection method: clinical testing. Allele origin: germline.
Comment: This sequence change replaces aspartic acid, which is acidic and polar, with glycine, which is neutral and non-polar, at codon 439 of the ITGA2B protein (p.Asp439Gly). This variant is present in population databases (no rsID available, gnomAD 0.003%). This variant has not been reported in the literature in individuals affected with ITGA2B-related conditions. Advanced modeling of protein sequence and biophysical properties (such as structural, functional, and spatial information, amino acid conservation, physicochemical variation, residue mobility, and thermodynamic stability) performed at Invitae indicates that this missense variant is not expected to disrupt ITGA2B protein function with a negative predictive value of 80%. In summary, the available evidence is currently insufficient to determine the role of this variant in disease. Therefore, it has been classified as a Variant of Uncertain Significance.